The following is an entry in ClinVar:

ClinVar aggregate classification (germline): Uncertain significance (1 of 4 stars; one submission).

Conditions:
Lipoic acid synthetase deficiency. Also called: HYPERGLYCINEMIA, LACTIC ACIDOSIS, AND SEIZURES. Identifiers: Orphanet 401859, MedGen C3280887, MONDO:0013762, OMIM 614462.

Submission:

Labcorp Genetics (formerly Invitae), Labcorp
Classification: Uncertain significance for Lipoic acid synthetase deficiency. Last evaluated: 2022-03-18. Review status: criteria provided, single submitter. Criteria: Invitae Variant Classification Sherloc (09022015). Collection method: clinical testing. Allele origin: germline.
Comment: In summary, the available evidence is currently insufficient to determine the role of this variant in disease. Therefore, it has been classified as a Variant of Uncertain Significance. Algorithms developed to predict the effect of missense changes on protein structure and function are either unavailable or do not agree on the potential impact of this missense change (SIFT: "Tolerated"; PolyPhen-2: "Possibly Damaging"; Align-GVGD: "Class C0"). This variant has not been reported in the literature in individuals affected with LIAS-related conditions. This variant is not present in population databases (gnomAD no frequency). This sequence change replaces leucine, which is neutral and non-polar, with phenylalanine, which is neutral and non-polar, at codon 74 of the LIAS protein (p.Leu74Phe).

NM_006859.4(LIAS):c.222A>C (p.Leu74Phe)

Gene: LIAS (lipoic acid synthetase; plus strand). Cytogenetic location: 4p14.
Variant type: single nucleotide variant.
Coding change: c.222A>C on transcript NM_006859.4 (MANE Select); coding-DNA position 222, A replaced by C.
Protein change: p.Leu74Phe; replaces leucine 74 with phenylalanine.
Molecular consequence: missense variant. On other transcripts: intron variant (2).
Genome position (GRCh38, 1-based): chr4:39,462,199, A>C. VCF-style: chr4-39462199-A-C. GRCh37 (hg19) VCF-style: chr4-39463819-A-C.
Other names: c.222A>C, p.Leu74Phe (NM_001278590.2, NM_001278591.2, NM_194451.3); c.218+1237A>C (NM_001363700.2, NM_001278592.2); short protein forms L74F.
Identifiers: ClinVar variation 1967803 (VCV001967803.5), dbSNP rs2474993224, ClinGen allele CA356663935.